The following is an entry in ClinVar:

ClinVar aggregate classification (germline): Likely benign. Review status: criteria provided, multiple submitters, no conflicts (2 of 4 stars). 2 submissions from 2 submitters: Likely benign (2). Last evaluated 2026-05-14.

Conditions:
Neurofibromatosis, type 1 (NF1). Also called: VON RECKLINGHAUSEN DISEASE; Neurofibromatosis, type I; NEUROFIBROMATOSIS, TYPE I, SOMATIC; Peripheral type neurofibromatosis. Identifiers: Orphanet 636, MedGen C0027831, MONDO:0018975, OMIM 162200. Disease mechanism: loss of function.

Allele frequency attached by ClinVar (database versions not stated): gnomAD exomes below 0.00001.
gnomAD v4.1: 2 of 1,610,276 alleles (0.00012%); highest among the groups gnomAD compares: Non-Finnish European, 0.000085%; no homozygotes.

Submissions (2):

Myriad Genetics, Inc.
Classification: Likely benign for Neurofibromatosis, type 1. Last evaluated: 2026-05-14. Review status: criteria provided, single submitter. Criteria: Myriad Autosomal Dominant, Autosomal Recessive and X-Linked Classification Criteria (2023). Collection method: clinical testing. Allele origin: unknown.
Comment: This variant is considered likely benign. This variant is intronic and is not expected to impact mRNA splicing.

Labcorp Genetics (formerly Invitae), Labcorp
Classification: Likely benign for Neurofibromatosis, type 1. Last evaluated: 2024-03-17. Review status: criteria provided, single submitter. Criteria: Invitae Variant Classification Sherloc (09022015). Collection method: clinical testing. Allele origin: germline.

NM_001042492.3(NF1):c.8161-14A>G

Gene: NF1 (neurofibromin 1; plus strand). Cytogenetic location: 17q11.2.
Variant type: single nucleotide variant.
Coding change: c.8161-14A>G on transcript NM_001042492.3 (MANE Select); 14 bases into the intron before coding-DNA position 8161, A replaced by G.
Molecular consequence: intron variant.
Genome position (GRCh38, 1-based): chr17:31,360,473, A>G. VCF-style: chr17-31360473-A-G. GRCh37 (hg19) VCF-style: chr17-29687491-A-G.
Other names: c.8098-14A>G (NM_000267.4).
Identifiers: ClinVar variation 1578134 (VCV001578134.9), dbSNP rs2070372493, ClinGen allele CA2255620789.